The following is an entry in ClinVar:

ClinVar aggregate classification (germline): Uncertain significance (1 of 4 stars; one submission).

Conditions:
Primary ciliary dyskinesia. Also called: Ciliary dyskinesia. Identifiers: Orphanet 244, MedGen C0008780, MONDO:0016575, HP:0012265.

gnomAD v4.1: 2 of 1,606,990 alleles (0.00012%); highest among the groups gnomAD compares: South Asian, 0.0022%; no homozygotes.

Submission:

Ambry Genetics
Classification: Uncertain significance for Primary ciliary dyskinesia. Last evaluated: 2026-02-10. Review status: criteria provided, single submitter. Criteria: Ambry Variant Classification Scheme 2023. Collection method: clinical testing. Allele origin: germline.
Comment: The c.1689-5T>C intronic variant results from a T to C substitution 5 nucleotides upstream from coding exon 13 in the SPAG1 gene. This nucleotide position is well conserved in available vertebrate species. In silico splice site analysis predicts that this alteration will not have any significant effect on splicing. Based on the available evidence, the clinical significance of this variant remains unclear.

NM_003114.5(SPAG1):c.1689-5T>C

Gene: SPAG1 (sperm associated antigen 1; plus strand). Cytogenetic location: 8q22.2.
Variant type: single nucleotide variant.
Coding change: c.1689-5T>C on transcript NM_003114.5 (MANE Select); 5 bases into the intron before coding-DNA position 1689, T replaced by C.
Molecular consequence: intron variant.
Genome position (GRCh38, 1-based): chr8:100,225,168, T>C. VCF-style: chr8-100225168-T-C. GRCh37 (hg19) VCF-style: chr8-101237396-T-C.
Other names: c.1689-5T>C (NM_001374321.1, NM_172218.3).
Identifiers: ClinVar variation 4844301 (VCV004844301.1).